The following is an entry in ClinVar:

ClinVar aggregate classification (germline): Uncertain significance. Review status: criteria provided, multiple submitters, no conflicts (2 of 4 stars). 2 submissions from 2 submitters: Uncertain significance (2). Last evaluated 2024-10-21.

Allele frequency attached by ClinVar (database versions not stated): TOPMed 0.00001; gnomAD 0.00002.
gnomAD v4.1: 66 of 1,612,582 alleles (0.0041%); highest among the groups gnomAD compares: East Asian, 0.011%; no homozygotes.

Submissions (2):

Ambry Genetics
Classification: Uncertain significance. Last evaluated: 2024-10-21. Review status: criteria provided, single submitter. Criteria: Ambry Variant Classification Scheme 2023. Collection method: clinical testing. Allele origin: germline.

Labcorp Genetics (formerly Invitae), Labcorp
Classification: Uncertain significance. Last evaluated: 2022-05-30. Review status: criteria provided, single submitter. Criteria: Invitae Variant Classification Sherloc (09022015). Collection method: clinical testing. Allele origin: germline.
Comment: This sequence change replaces arginine, which is basic and polar, with histidine, which is basic and polar, at codon 9 of the LRRC56 protein (p.Arg9His). This variant is present in population databases (rs778566046, gnomAD 0.005%). This variant has not been reported in the literature in individuals affected with LRRC56-related conditions. Algorithms developed to predict the effect of missense changes on protein structure and function output the following: SIFT: "Tolerated"; PolyPhen-2: "Benign"; Align-GVGD: "Class C0". The histidine amino acid residue is found in multiple mammalian species, which suggests that this missense change does not adversely affect protein function. In summary, the available evidence is currently insufficient to determine the role of this variant in disease. Therefore, it has been classified as a Variant of Uncertain Significance.

NM_198075.4(LRRC56):c.26G>A (p.Arg9His)

Gene: LRRC56 (leucine rich repeat containing 56; plus strand). Cytogenetic location: 11p15.5.
Variant type: single nucleotide variant.
Coding change: c.26G>A on transcript NM_198075.4 (MANE Select); coding-DNA position 26, G replaced by A.
Protein change: p.Arg9His; replaces arginine 9 with histidine.
Molecular consequence: missense variant.
Genome position (GRCh38, 1-based): chr11:540,710, G>A. VCF-style: chr11-540710-G-A. GRCh37 (hg19) VCF-style: chr11-540710-G-A.
Other names: c.26G>A (NM_198075.3); short protein forms R9H.
Identifiers: ClinVar variation 2064526 (VCV002064526.2), dbSNP rs778566046, ClinGen allele CA5779470.